The following is an entry in ClinVar:

NM_152564.5(VPS13B):c.7779G>C (p.Gln2593His)

Gene: VPS13B (vacuolar protein sorting 13 homolog B; plus strand). Cytogenetic location: 8q22.2.
Variant type: single nucleotide variant.
Coding change: c.7779G>C on transcript NM_152564.5 (MANE Select); coding-DNA position 7779, G replaced by C.
Protein change: p.Gln2593His; replaces glutamine 2593 with histidine.
Molecular consequence: missense variant.
Genome position (GRCh38, 1-based): chr8:99,779,031, G>C. VCF-style: chr8-99779031-G-C. GRCh37 (hg19) VCF-style: chr8-100791259-G-C.
Other names: c.7854G>C, p.Gln2618His (NM_017890.5); short protein forms Q2593H, Q2618H.
Identifiers: ClinVar variation 2154603 (VCV002154603.4), dbSNP rs796478997, ClinGen allele CA371876694.
Genomic context (GRCh38, chr8:99,779,031, plus strand): 5'-TGTAAACCTTGGACAGCATGTAGTCCATTCACTAAACACTGCAATACAAGCTTGGCAACA[G>C]GTATGCACATTCCATAACAGTTTACAGTTTGGCCACATATGATCTTTTATTAGGTTCTGT-3'
Protein context (NP_689777.3, residues 2583-2603): SLNTAIQAWQ[Gln2593His]NKCPEVEELV

ClinVar aggregate classification (germline): Uncertain significance. Review status: criteria provided, multiple submitters, no conflicts (2 of 4 stars). 2 submissions from 2 submitters: Uncertain significance (2). Last evaluated 2025-10-30.

Conditions:
VPS13B-related disorder. Also called: VPS13B-related condition.
Cohen syndrome (COH1). Also called: PEPPER SYNDROME; Cutis verticis gyrata, retinitis pigmentosa, and sensorineural deafness. Identifiers: Orphanet 193, MedGen C0265223, MONDO:0008999, OMIM 216550.

Allele frequency attached by ClinVar (database versions not stated): gnomAD exomes below 0.00001; TOPMed below 0.00001; gnomAD 0.00001.
gnomAD v4.1: 7 of 1,612,516 alleles (0.00043%); highest among the groups gnomAD compares: Non-Finnish European, 0.00059%; no homozygotes.

Submissions (2):

PreventionGenetics, part of Exact Sciences
Classification: Uncertain significance for VPS13B-related condition. Last evaluated: 2025-10-30. Review status: criteria provided, single submitter. Criteria: ACMG Guidelines, 2015. Collection method: clinical testing. Allele origin: germline.
Comment: The VPS13B c.7779G>C variant is predicted to result in the amino acid substitution p.Gln2593His. To our knowledge, this variant has not been reported in the literature or in a large population database (gnomAD), indicating this variant is rare. At this time, the clinical significance of this variant is classified as uncertain due to the absence of conclusive functional and genetic evidence.

Labcorp Genetics (formerly Invitae), Labcorp
Classification: Uncertain significance for Cohen syndrome. Last evaluated: 2022-05-31. Review status: criteria provided, single submitter. Criteria: Invitae Variant Classification Sherloc (09022015). Collection method: clinical testing. Allele origin: germline.
Comment: This sequence change affects codon 2618 of the VPS13B mRNA. It is a 'silent' change, meaning that it does not change the encoded amino acid sequence of the VPS13B protein. This variant also falls at the last nucleotide of exon 42, which is part of the consensus splice site for this exon. This variant is not present in population databases (gnomAD no frequency). This variant has not been reported in the literature in individuals affected with VPS13B-related conditions. Algorithms developed to predict the effect of missense changes on protein structure and function are either unavailable or do not agree on the potential impact of this missense change (SIFT: "Not Available"; PolyPhen-2: "Benign"; Align-GVGD: "Not Available"). Variants that disrupt the consensus splice site are a relatively common cause of aberrant splicing (PMID: 17576681, 9536098). Algorithms developed to predict the effect of sequence changes on RNA splicing suggest that this variant may disrupt the consensus splice site. In summary, the available evidence is currently insufficient to determine the role of this variant in disease. Therefore, it has been classified as a Variant of Uncertain Significance.

Literature cited by the submitters: PubMed 17576681 (cited by Labcorp Genetics (formerly Invitae), Labcorp); PubMed 9536098 (cited by Labcorp Genetics (formerly Invitae), Labcorp).